The following is an entry in ClinVar:

NM_006767.4(LZTR1):c.2097C>A (p.Phe699Leu)

Gene: LZTR1 (leucine zipper like post translational regulator 1; plus strand). Cytogenetic location: 22q11.21.
Variant type: single nucleotide variant.
Coding change: c.2097C>A on transcript NM_006767.4 (MANE Select); coding-DNA position 2097, C replaced by A.
Protein change: p.Phe699Leu; replaces phenylalanine 699 with leucine.
Molecular consequence: missense variant.
Genome position (GRCh38, 1-based): chr22:20,995,990, C>A. VCF-style: chr22-20995990-C-A. GRCh37 (hg19) VCF-style: chr22-21350279-C-A.
Other names: short protein forms F699L.
Identifiers: ClinVar variation 2128685 (VCV002128685.4), dbSNP rs2518624454, ClinGen allele CA410779284.

ClinVar aggregate classification (germline): Uncertain significance (1 of 4 stars; one submission).

Submission:

Labcorp Genetics (formerly Invitae), Labcorp
Classification: Uncertain significance. Last evaluated: 2022-04-21. Review status: criteria provided, single submitter. Criteria: Invitae Variant Classification Sherloc (09022015). Collection method: clinical testing. Allele origin: germline.
Comment: In summary, the available evidence is currently insufficient to determine the role of this variant in disease. Therefore, it has been classified as a Variant of Uncertain Significance. Algorithms developed to predict the effect of missense changes on protein structure and function are either unavailable or do not agree on the potential impact of this missense change (SIFT: "Deleterious"; PolyPhen-2: "Probably Damaging"; Align-GVGD: "Class C15"). This variant has not been reported in the literature in individuals affected with LZTR1-related conditions. This variant is not present in population databases (gnomAD no frequency). This sequence change replaces phenylalanine, which is neutral and non-polar, with leucine, which is neutral and non-polar, at codon 699 of the LZTR1 protein (p.Phe699Leu).